The following is an entry in ClinVar:

NM_001035.3(RYR2):c.3031C>G (p.Arg1011Gly)

Gene: RYR2 (ryanodine receptor 2; plus strand). Cytogenetic location: 1q43.
Variant type: single nucleotide variant.
Coding change: c.3031C>G on transcript NM_001035.3 (MANE Select); coding-DNA position 3031, C replaced by G.
Protein change: p.Arg1011Gly; replaces arginine 1011 with glycine.
Molecular consequence: missense variant.
Genome position (GRCh38, 1-based): chr1:237,548,555, C>G. VCF-style: chr1-237548555-C-G. GRCh37 (hg19) VCF-style: chr1-237711855-C-G.
Other names: short protein forms R1011G.
Identifiers: ClinVar variation 2136131 (VCV002136131.1), dbSNP rs2546277869, ClinGen allele CA345393682.
Genomic context (GRCh38, chr1:237,548,555, plus strand): 5'-TCACAAGAAGCAATGGTGGACAAGTTGGCAGAAAATGCACATAATGTGTGGGCGCGGGAT[C>G]GAATCCGGCAGGGCTGGACTTATGGCATCCAACAGGTACATGGGAATTAGCATTTGGTCT-3'
Protein context (NP_001026.2, residues 1001-1021): ENAHNVWARD[Arg1011Gly]IRQGWTYGIQ

ClinVar aggregate classification (germline): Uncertain significance (1 of 4 stars; one submission).

Submission:

GeneDx
Classification: Uncertain significance. Last evaluated: 2022-07-22. Review status: criteria provided, single submitter. Criteria: GeneDx Variant Classification Process June 2021. Collection method: clinical testing. Allele origin: germline. Affected: yes.
Comment: Not observed at significant frequency in large population cohorts (gnomAD); In silico analysis supports that this missense variant has a deleterious effect on protein structure/function; Has not been previously published as pathogenic or benign to our knowledge